The following is an entry in ClinVar:

NM_000051.4(ATM):c.8343del (p.Asn2782fs)

Genes: ATM (ATM serine/threonine kinase; plus strand), C11orf65 (chromosome 11 open reading frame 65; minus strand). Cytogenetic location: 11q22.3.
Variant type: Deletion.
Coding change: c.8343del on transcript NM_000051.4 (MANE Select); coding-DNA position 8343, one base deleted (T; older notation c.8343delT).
Protein change: p.Asn2782fs; shifts the reading frame from asparagine 2782.
Molecular consequence: frameshift variant. On other transcripts: intron variant (2).
Genome position (GRCh38, 1-based): chr11:108,343,296, T deleted; the last of 2 consecutive T bases (chr11:108,343,295-108,343,296); deleting either gives the same sequence. VCF-style (leftmost placement, unchanged base first): chr11-108343294-GT-G. GRCh37 (hg19) VCF-style: chr11-108214021-GT-G.
Other names: c.695-8003del (NM_001351110.2); c.8343del, p.Asn2782fs (NM_001351834.2); c.641-34224del (NM_001330368.2); short protein forms N2782fs.
Identifiers: ClinVar variation 2094100 (VCV002094100.5), dbSNP rs2547417468, ClinGen allele CA2580083177.

ClinVar aggregate classification (germline): Pathogenic. Review status: criteria provided, multiple submitters, no conflicts (2 of 4 stars). 2 submissions from 2 submitters: Pathogenic (2). Last evaluated 2024-02-01.

Conditions:
Ataxia-telangiectasia syndrome (AT). Also called: ATAXIA-TELANGIECTASIA, COMPLEMENTATION GROUP A; ATAXIA-TELANGIECTASIA, FRESNO VARIANT; Ataxia-telangiectasia; Ataxia-telangiectasia, complementation group E; LOUIS-BAR SYNDROME; Cerebello-oculocutaneous telangiectasia. Identifiers: Orphanet 100, MedGen C0004135, MONDO:0008840, OMIM 208900.
Familial cancer of breast. Also called: BREAST CANCER, FAMILIAL; hereditary breast carcinoma; Hereditary breast cancer. Identifiers: Orphanet 227535, MedGen C0346153, MONDO:0016419, OMIM 114480. Disease mechanism: loss of function.

Submissions (2):

Myriad Genetics, Inc.
Classification: Pathogenic for Familial cancer of breast. Last evaluated: 2024-02-01. Review status: criteria provided, single submitter. Criteria: Myriad Autosomal Dominant, Autosomal Recessive and X-Linked Classification Criteria (2023). Collection method: clinical testing. Allele origin: unknown.
Comment: This variant is considered pathogenic. This variant creates a frameshift predicted to result in premature protein truncation.

Labcorp Genetics (formerly Invitae), Labcorp
Classification: Pathogenic for Ataxia-telangiectasia syndrome. Last evaluated: 2024-01-22. Review status: criteria provided, single submitter. Criteria: Invitae Variant Classification Sherloc (09022015). Collection method: clinical testing. Allele origin: germline.
Comment: This sequence change creates a premature translational stop signal (p.Asn2782Thrfs*24) in the ATM gene. It is expected to result in an absent or disrupted protein product. Loss-of-function variants in ATM are known to be pathogenic (PMID: 23807571, 25614872). This variant is not present in population databases (gnomAD no frequency). This variant has not been reported in the literature in individuals affected with ATM-related conditions. ClinVar contains an entry for this variant (Variation ID: 2094100). Algorithms developed to predict the effect of sequence changes on RNA splicing suggest that this variant may disrupt the consensus splice site. For these reasons, this variant has been classified as Pathogenic.

Literature cited by the submitters: PubMed 23807571 (cited by Labcorp Genetics (formerly Invitae), Labcorp); PubMed 25614872 (cited by Labcorp Genetics (formerly Invitae), Labcorp).